The following is an entry in ClinVar:

NM_030916.3(NECTIN4):c.1266C>A (p.Gly422=)

Gene: NECTIN4 (nectin cell adhesion molecule 4; minus strand). Cytogenetic location: 1q23.3.
Variant type: single nucleotide variant.
Coding change: c.1266C>A on transcript NM_030916.3 (MANE Select); coding-DNA position 1266, C replaced by A.
Protein change: p.Gly422=; no amino-acid change (glycine 422 retained).
Molecular consequence: synonymous variant.
Genome position (GRCh38, 1-based): chr1:161,073,267, G>T on the plus strand (C>A on the coding strand, the complement: NECTIN4 is on the minus strand). VCF-style: chr1-161073267-G-T. GRCh37 (hg19) VCF-style: chr1-161043057-G-T.
Identifiers: ClinVar variation 3905160 (VCV003905160.10).

ClinVar aggregate classification (germline): Likely benign (1 of 4 stars; one submission).

Submission:

CeGaT Center for Human Genetics Tuebingen
Classification: Likely benign. Last evaluated: 2025-06-01. Review status: criteria provided, single submitter. Criteria: CeGaT Center For Human Genetics Tuebingen Variant Classification Criteria Version 2. Collection method: clinical testing. Allele origin: germline. Affected: yes. Observed: 1 variant allele.
Comment: NECTIN4: PM2:Supporting, BP4, BP7